The following is an entry in ClinVar:

NM_001291303.3(FAT4):c.13348G>A (p.Gly4450Ser)

Gene: FAT4 (FAT atypical cadherin 4; plus strand). Cytogenetic location: 4q28.1.
Variant type: single nucleotide variant.
Coding change: c.13348G>A on transcript NM_001291303.3 (MANE Select); coding-DNA position 13348, G replaced by A.
Protein change: p.Gly4450Ser; replaces glycine 4450 with serine.
Molecular consequence: missense variant.
Genome position (GRCh38, 1-based): chr4:125,490,164, G>A. VCF-style: chr4-125490164-G-A. GRCh37 (hg19) VCF-style: chr4-126411319-G-A.
Other names: c.13345G>A, p.Gly4449Ser (NM_001291285.3); c.13342G>A, p.Gly4448Ser (NM_024582.6); short protein forms G4448S, G4449S, G4450S.
Identifiers: ClinVar variation 3710658 (VCV003710658.1).

ClinVar aggregate classification (germline): Uncertain significance (1 of 4 stars; one submission).

gnomAD v4.1: 14 of 1,613,936 alleles (0.00087%); highest among the groups gnomAD compares: South Asian, 0.0033%; no homozygotes.

Submission:

Labcorp Genetics (formerly Invitae), Labcorp
Classification: Uncertain significance. Last evaluated: 2024-09-25. Review status: criteria provided, single submitter. Criteria: Invitae Variant Classification Sherloc (09022015). Collection method: clinical testing. Allele origin: germline.
Comment: This sequence change replaces glycine, which is neutral and non-polar, with serine, which is neutral and polar, at codon 4448 of the FAT4 protein (p.Gly4448Ser). This variant is present in population databases (rs751633158, gnomAD 0.003%). This variant has not been reported in the literature in individuals affected with FAT4-related conditions. Invitae Evidence Modeling of protein sequence and biophysical properties (such as structural, functional, and spatial information, amino acid conservation, physicochemical variation, residue mobility, and thermodynamic stability) indicates that this missense variant is not expected to disrupt FAT4 protein function with a negative predictive value of 95%. In summary, the available evidence is currently insufficient to determine the role of this variant in disease. Therefore, it has been classified as a Variant of Uncertain Significance.